The following is an entry in ClinVar:

NM_003680.4(YARS1):c.1303G>A (p.Glu435Lys)

Gene: YARS1 (tyrosyl-tRNA synthetase 1; minus strand). Cytogenetic location: 1p35.1.
Variant type: single nucleotide variant.
Coding change: c.1303G>A on transcript NM_003680.4 (MANE Select); coding-DNA position 1303, G replaced by A.
Protein change: p.Glu435Lys; replaces glutamic acid 435 with lysine.
Molecular consequence: missense variant.
Genome position (GRCh38, 1-based): chr1:32,780,116, C>T on the plus strand (G>A on the coding strand, the complement: YARS1 is on the minus strand). VCF-style: chr1-32780116-C-T. GRCh37 (hg19) VCF-style: chr1-33245717-C-T.
Other names: short protein forms E435K.
Identifiers: ClinVar variation 1681482 (VCV001681482.6), dbSNP rs777567617, ClinGen allele CA744932.

ClinVar aggregate classification (germline): Uncertain significance (1 of 4 stars; one submission).

Conditions:
Charcot-Marie-Tooth disease dominant intermediate C (CMTDIC). Also called: CHARCOT-MARIE-TOOTH NEUROPATHY, DOMINANT INTERMEDIATE C. Identifiers: Orphanet 100045, MedGen C1842237, MONDO:0012012, OMIM 608323.

Allele frequency attached by ClinVar (database versions not stated): ExAC 0.00002; TOPMed 0.00001; gnomAD 0.00002; gnomAD exomes 0.00001.
gnomAD v4.1: 16 of 1,614,006 alleles (0.00099%); highest among the groups gnomAD compares: South Asian, 0.0022%; no homozygotes.

Submission:

Labcorp Genetics (formerly Invitae), Labcorp
Classification: Uncertain significance for Charcot-Marie-Tooth disease dominant intermediate C. Last evaluated: 2024-07-11. Review status: criteria provided, single submitter. Criteria: Invitae Variant Classification Sherloc (09022015). Collection method: clinical testing. Allele origin: germline.
Comment: This sequence change replaces glutamic acid, which is acidic and polar, with lysine, which is basic and polar, at codon 435 of the YARS protein (p.Glu435Lys). This variant is present in population databases (rs777567617, gnomAD 0.003%). This variant has not been reported in the literature in individuals affected with YARS-related conditions. ClinVar contains an entry for this variant (Variation ID: 1681482). Advanced modeling of protein sequence and biophysical properties (such as structural, functional, and spatial information, amino acid conservation, physicochemical variation, residue mobility, and thermodynamic stability) performed at Invitae indicates that this missense variant is not expected to disrupt YARS protein function with a negative predictive value of 80%. In summary, the available evidence is currently insufficient to determine the role of this variant in disease. Therefore, it has been classified as a Variant of Uncertain Significance.